The following is an entry in ClinVar:

ClinVar aggregate classification (germline): Likely pathogenic (1 of 4 stars; one submission).

Conditions:
Hereditary breast ovarian cancer syndrome. Also called: Hereditary breast and ovarian cancer syndrome; Hereditary breast and/or ovarian cancer syndrome; Hereditary breast and ovarian cancer; Breast and ovarian cancer; Hereditary breast and ovarian cancer syndrome (HBOC); BRCA1- and BRCA2-Associated Hereditary Breast and Ovarian Cancer. Identifiers: Orphanet 145, MedGen C0677776, MeSH D061325, MONDO:0003582. Disease mechanism: loss of function.

Submission:

Labcorp Genetics (formerly Invitae), Labcorp
Classification: Likely pathogenic for Hereditary breast ovarian cancer syndrome. Last evaluated: 2024-06-28. Review status: criteria provided, single submitter. Criteria: Invitae Variant Classification Sherloc (09022015). Collection method: clinical testing. Allele origin: germline.
Comment: This sequence change affects a splice site in intron 17 of the BRCA2 gene. It is expected to disrupt RNA splicing. Variants that disrupt the donor or acceptor splice site typically lead to a loss of protein function (PMID: 16199547), and loss-of-function variants in BRCA2 are known to be pathogenic (PMID: 20104584). Information on the frequency of this variant in the gnomAD database is not available, as this variant may be reported differently in the database. This variant has not been reported in the literature in individuals affected with BRCA2-related conditions. In summary, the currently available evidence indicates that the variant is pathogenic, but additional data are needed to prove that conclusively. Therefore, this variant has been classified as Likely Pathogenic.

Literature cited by the submitters: PubMed 16199547; PubMed 20104584.

NM_000059.4(BRCA2):c.7977-3_7977-2delinsGT

Gene: BRCA2 (BRCA2 DNA repair associated; plus strand). Cytogenetic location: 13q13.1.
Variant type: Indel.
Coding change: c.7977-3_7977-2delinsGT on transcript NM_000059.4 (MANE Select); 3 bases into the intron before coding-DNA position 7977 through the canonical splice acceptor site of the intron before coding-DNA position 7977, TA replaced by GT.
Molecular consequence: splice acceptor variant.
Genome position (GRCh38, 1-based): chr13:32,363,176-32,363,177, TA replaced by GT. VCF-style: chr13-32363176-TA-GT. GRCh37 (hg19) VCF-style: chr13-32937313-TA-GT.
Other names: c.7977-3_7977-2delinsGT (NM_001432077.1, NM_001406720.1); c.7881-3_7881-2delinsGT (NM_001406719.1); c.3045-3_3045-2delinsGT (NM_001406721.1); c.1560-3_1560-2delinsGT (NM_001406722.1).
Identifiers: ClinVar variation 3657521 (VCV003657521.2).